The following is an entry in ClinVar:

ClinVar aggregate classification (germline): Uncertain significance. Review status: criteria provided, multiple submitters, no conflicts (2 of 4 stars). 2 submissions from 2 submitters: Uncertain significance (2). Last evaluated 2024-11-25.

Conditions:
Inborn genetic diseases. Identifiers: MedGen C0950123, MeSH D030342.

Allele frequency attached by ClinVar (database versions not stated): gnomAD exomes below 0.00001.
gnomAD v4.1: 2 of 1,614,132 alleles (0.00012%); highest among the groups gnomAD compares: East Asian, 0.0022%; no homozygotes.

Submissions (2):

Ambry Genetics
Classification: Uncertain significance for Inborn genetic diseases. Last evaluated: 2024-11-25. Review status: criteria provided, single submitter. Criteria: Ambry Variant Classification Scheme 2023. Collection method: clinical testing. Allele origin: germline.
Comment: The p.A218V variant (also known as c.653C>T), located in coding exon 6 of the USB1 gene, results from a C to T substitution at nucleotide position 653. The alanine at codon 218 is replaced by valine, an amino acid with similar properties. This amino acid position is conserved. In addition, this alteration is predicted to be tolerated by in silico analysis. Based on the available evidence, the clinical significance of this variant remains unclear.

Labcorp Genetics (formerly Invitae), Labcorp
Classification: Uncertain significance. Last evaluated: 2024-04-15. Review status: criteria provided, single submitter. Criteria: Invitae Variant Classification Sherloc (09022015). Collection method: clinical testing. Allele origin: germline.
Comment: This sequence change replaces alanine, which is neutral and non-polar, with valine, which is neutral and non-polar, at codon 218 of the USB1 protein (p.Ala218Val). This variant is not present in population databases (gnomAD no frequency). This variant has not been reported in the literature in individuals affected with USB1-related conditions. ClinVar contains an entry for this variant (Variation ID: 1364316). Advanced modeling of protein sequence and biophysical properties (such as structural, functional, and spatial information, amino acid conservation, physicochemical variation, residue mobility, and thermodynamic stability) performed at Invitae indicates that this missense variant is not expected to disrupt USB1 protein function with a negative predictive value of 80%. In summary, the available evidence is currently insufficient to determine the role of this variant in disease. Therefore, it has been classified as a Variant of Uncertain Significance.

NM_024598.4(USB1):c.653C>T (p.Ala218Val)

Gene: USB1 (U6 snRNA biogenesis phosphodiesterase 1; plus strand). Cytogenetic location: 16q21.
Variant type: single nucleotide variant.
Coding change: c.653C>T on transcript NM_024598.4 (MANE Select); coding-DNA position 653, C replaced by T.
Protein change: p.Ala218Val; replaces alanine 218 with valine.
Molecular consequence: missense variant.
Genome position (GRCh38, 1-based): chr16:58,019,015, C>T. VCF-style: chr16-58019015-C-T. GRCh37 (hg19) VCF-style: chr16-58052919-C-T.
Other names: c.500C>T, p.Ala167Val (NM_001330568.2); c.653C>T (NM_024598.3); c.599C>T, p.Ala200Val (NM_001195302.2); short protein forms A218V, A200V, A167V.
Identifiers: ClinVar variation 1364316 (VCV001364316.7), dbSNP rs1230519072, ClinGen allele CA396130187.